The following is an entry in ClinVar:

NM_000521.4(HEXB):c.1276G>A (p.Asp426Asn)

Gene: HEXB (hexosaminidase subunit beta; plus strand). Cytogenetic location: 5q13.3.
Variant type: single nucleotide variant.
Coding change: c.1276G>A on transcript NM_000521.4 (MANE Select); coding-DNA position 1276, G replaced by A.
Protein change: p.Asp426Asn; replaces aspartic acid 426 with asparagine.
Molecular consequence: missense variant.
Genome position (GRCh38, 1-based): chr5:74,718,830, G>A. VCF-style: chr5-74718830-G-A. GRCh37 (hg19) VCF-style: chr5-74014655-G-A.
Other names: c.601G>A, p.Asp201Asn (NM_001292004.2); c.1276G>A (NM_000521.3); short protein forms D201N, D426N.
Identifiers: ClinVar variation 2161571 (VCV002161571.2), dbSNP rs780330079, ClinGen allele CA3306097.

ClinVar aggregate classification (germline): Uncertain significance. Review status: criteria provided, multiple submitters, no conflicts (2 of 4 stars). 2 submissions from 2 submitters: Uncertain significance (2). Last evaluated 2021-10-29.

Conditions:
Inborn genetic diseases. Identifiers: MedGen C0950123, MeSH D030342.
Sandhoff disease. Also called: Beta-hexosaminidase-beta-subunit deficiency; GM2 gangliosidosis, type 2; Total hexosaminidase deficiency; Sandhoff-Jatzkewitz-Pilz disease; GM2-GANGLIOSIDOSIS, TYPE II; HEXOSAMINIDASES A AND B DEFICIENCY. Identifiers: Orphanet 796, MedGen C0036161, MONDO:0010006, OMIM 268800.

Allele frequency attached by ClinVar (database versions not stated): ExAC 0.00001; TOPMed 0.00001.
gnomAD v4.1: 9 of 1,614,154 alleles (0.00056%); highest among the groups gnomAD compares: East Asian, 0.016%; no homozygotes.

Submissions (2):

Labcorp Genetics (formerly Invitae), Labcorp
Classification: Uncertain significance for Sandhoff disease. Last evaluated: 2021-10-29. Review status: criteria provided, single submitter. Criteria: Invitae Variant Classification Sherloc (09022015). Collection method: clinical testing. Allele origin: germline.
Comment: This sequence change replaces aspartic acid, which is acidic and polar, with asparagine, which is neutral and polar, at codon 426 of the HEXB protein (p.Asp426Asn). This variant is present in population databases (rs780330079, gnomAD 0.01%). This variant has not been reported in the literature in individuals affected with HEXB-related conditions. Advanced modeling of protein sequence and biophysical properties (such as structural, functional, and spatial information, amino acid conservation, physicochemical variation, residue mobility, and thermodynamic stability) performed at Invitae indicates that this missense variant is not expected to disrupt HEXB protein function. In summary, the available evidence is currently insufficient to determine the role of this variant in disease. Therefore, it has been classified as a Variant of Uncertain Significance.

Ambry Genetics
Classification: Uncertain significance for Inborn genetic diseases. Last evaluated: 2020-12-10. Review status: criteria provided, single submitter. Criteria: Ambry Variant Classification Scheme 2023. Collection method: clinical testing. Allele origin: germline.
Comment: The c.1276G>A (p.D426N) alteration is located in exon 11 (coding exon 11) of the HEXB gene. This alteration results from a G to A substitution at nucleotide position 1276, causing the aspartic acid (D) at amino acid position 426 to be replaced by an asparagine (N). The p.D426N alteration is predicted to be tolerated by in silico analysis. Based on insufficient or conflicting evidence, the clinical significance of this alteration remains unclear.